The following is an entry in ClinVar:

NM_000868.4(HTR2C):c.596A>C (p.Lys199Thr)

Genes: HTR2C (5-hydroxytryptamine receptor 2C; plus strand), LOC126863306 (MED14-independent group 3 enhancer GRCh37_chrX:114140926-114142125; plus strand). Cytogenetic location: Xq23.
Variant type: single nucleotide variant.
Coding change: c.596A>C on transcript NM_000868.4 (MANE Select); coding-DNA position 596, A replaced by C.
Protein change: p.Lys199Thr; replaces lysine 199 with threonine.
Molecular consequence: missense variant.
Genome position (GRCh38, 1-based): chrX:114,906,634, A>C. VCF-style: chrX-114906634-A-C. GRCh37 (hg19) VCF-style: chrX-114141197-A-C.
Other names: c.596A>C, p.Lys199Thr (NM_001256760.3); c.501A>C, p.Lys167Asn (NM_001256761.3); short protein forms K167N, K199T.
Identifiers: ClinVar variation 3356742 (VCV003356742.1).

ClinVar aggregate classification (germline): Uncertain significance (0 of 4 stars; one submission).

Conditions:
HTR2C-related disorder. Also called: HTR2C-related condition.

gnomAD v4.1: 6 of 1,207,715 alleles (0.0005%); highest among the groups gnomAD compares: Non-Finnish European, 0.00056%; no homozygotes.

Submission:

PreventionGenetics, part of Exact Sciences
Classification: Uncertain significance for HTR2C-related condition. Last evaluated: 2024-05-01. Review status: no assertion criteria provided. Collection method: clinical testing. Allele origin: germline.
Comment: The HTR2C c.596A>C variant is predicted to result in the amino acid substitution p.Lys199Thr. To our knowledge, this variant has not been reported in the literature. This variant is reported in 0.0092% of alleles in individuals of European (Non-Finnish) descent in gnomAD. At this time, the clinical significance of this variant is uncertain due to the absence of conclusive functional and genetic evidence.